The following is an entry in ClinVar:

NM_000038.6(APC):c.2463C>T (p.Val821=)

Gene: APC (APC regulator of Wnt signaling pathway; plus strand). Cytogenetic location: 5q22.2.
Variant type: single nucleotide variant.
Coding change: c.2463C>T on transcript NM_000038.6 (MANE Select); coding-DNA position 2463, C replaced by T.
Protein change: p.Val821=; no amino-acid change (valine 821 retained).
Molecular consequence: synonymous variant.
Genome position (GRCh38, 1-based): chr5:112,838,057, C>T. VCF-style: chr5-112838057-C-T. GRCh37 (hg19) VCF-style: chr5-112173754-C-T.
Other names: c.2463C>T, p.Val821= (NM_001127510.3, NM_001354895.2); c.2409C>T, p.Val803= (NM_001127511.3); c.2517C>T, p.Val839= (NM_001354896.2); c.2493C>T, p.Val831= (NM_001354897.2); c.2388C>T, p.Val796= (NM_001354898.2); c.2379C>T, p.Val793= (NM_001354899.2); c.2340C>T, p.Val780= (NM_001354900.2); c.2286C>T, p.Val762= (NM_001354901.2); and 5 more.
Identifiers: ClinVar variation 230739 (VCV000230739.16), dbSNP rs876658738, ClinGen allele CA10578339.

ClinVar aggregate classification (germline): Benign/Likely benign. Review status: criteria provided, multiple submitters, no conflicts (2 of 4 stars). 6 submissions from 6 submitters: Benign (1); Likely benign (5). Last evaluated 2025-11-06.

Conditions:
Familial adenomatous polyposis 1 (FAP1). Also called: FAMILIAL ADENOMATOUS POLYPOSIS 1, ATTENUATED; POLYPOSIS, ADENOMATOUS INTESTINAL. Identifiers: MedGen C2713442, MONDO:0021056, OMIM 175100. Disease mechanism: loss of function.
Classic or attenuated familial adenomatous polyposis. Identifiers: MedGen CN372698, MONDO:0021057.
Hereditary cancer-predisposing syndrome. Also called: Neoplastic Syndromes, Hereditary; Tumor predisposition; Hereditary Cancer Syndrome; Hereditary neoplastic syndrome. Identifiers: Orphanet 140162, MedGen C0027672, MeSH D009386, MONDO:0015356.

Allele frequency attached by ClinVar (database versions not stated): gnomAD exomes 0.00001; TOPMed 0.00001.
gnomAD v4.1: 21 of 1,614,144 alleles (0.0013%); highest among the groups gnomAD compares: Non-Finnish European, 0.0017%; no homozygotes.

Submissions (6):

Labcorp Genetics (formerly Invitae), Labcorp
Classification: Likely benign for Familial adenomatous polyposis 1. Last evaluated: 2025-11-06. Review status: criteria provided, single submitter. Criteria: Invitae Variant Classification Sherloc (09022015). Collection method: clinical testing. Allele origin: germline.

Myriad Genetics, Inc.
Classification: Benign for Familial adenomatous polyposis 1. Last evaluated: 2024-03-12. Review status: criteria provided, single submitter. Criteria: Myriad Autosomal Dominant, Autosomal Recessive and X-Linked Classification Criteria (2023). Collection method: clinical testing. Allele origin: unknown.
Comment: This variant is considered benign. This variant is a silent/synonymous amino acid change and it is not expected to impact splicing.

All of Us Research Program, National Institutes of Health
Classification: Likely benign for Classic or attenuated familial adenomatous polyposis. Last evaluated: 2023-05-15. Review status: criteria provided, single submitter. Criteria: ACMG Guidelines, 2015. Collection method: clinical testing. Allele origin: germline. Inheritance: Autosomal dominant inheritance. Observed: 1 variant allele, 1 heterozygote.
Comment: This study involves interpretation of variants in research participants for the purpose of population health screening. Participant phenotype was not available at the time of variant classification. Additional details can be found in publication PMID: 35346344, PMCID: PMC8962531

GeneDx
Classification: Likely benign. Last evaluated: 2017-11-13. Review status: criteria provided, single submitter. Criteria: GeneDx Variant Classification (06012015). Collection method: clinical testing. Allele origin: germline. Affected: yes.
Comment: This variant is considered likely benign or benign based on one or more of the following criteria: it is a conservative change, it occurs at a poorly conserved position in the protein, it is predicted to be benign by multiple in silico algorithms, and/or has population frequency not consistent with disease.

Color Diagnostics, LLC DBA Color Health
Classification: Likely benign for Hereditary cancer-predisposing syndrome. Last evaluated: 2016-03-30. Review status: criteria provided, single submitter. Criteria: ACMG Guidelines, 2015. Collection method: clinical testing. Allele origin: germline.

Ambry Genetics
Classification: Likely benign for Hereditary cancer-predisposing syndrome. Last evaluated: 2015-03-05. Review status: criteria provided, single submitter. Criteria: Ambry Variant Classification Scheme 2023. Collection method: clinical testing. Allele origin: germline.